The following is an entry in ClinVar:

NM_000093.5(COL5A1):c.1687C>T (p.Pro563Ser)

Gene: COL5A1 (collagen type V alpha 1 chain; plus strand). Cytogenetic location: 9q34.3.
Variant type: single nucleotide variant.
Coding change: c.1687C>T on transcript NM_000093.5 (MANE Select); coding-DNA position 1687, C replaced by T.
Protein change: p.Pro563Ser; replaces proline 563 with serine.
Molecular consequence: missense variant.
Genome position (GRCh38, 1-based): chr9:134,752,613, C>T. VCF-style: chr9-134752613-C-T. GRCh37 (hg19) VCF-style: chr9-137644459-C-T.
Other names: c.1687C>T, p.Pro563Ser (NM_001278074.1); short protein forms P563S.
Identifiers: ClinVar variation 1961447 (VCV001961447.4), dbSNP rs765839116, ClinGen allele CA375444243.
Genomic context (GRCh38, chr9:134,752,613, plus strand): 5'-GGGCCCTGTCTCAGCGTGTCTCACTTTCCTTTGCAGTTGGCACTGAGGGGACCAGCTGGC[C>T]CGATGGGTCTCACAGGGAGACCTGGCCCTGTGGTAAGTCATTGGCAAATCTGAGAGCTGG-3'
Protein context (NP_000084.3, residues 553-573): ARLALRGPAG[Pro563Ser]MGLTGRPGPV

ClinVar aggregate classification (germline): Uncertain significance (1 of 4 stars; one submission).

Conditions:
Ehlers-Danlos syndrome, classic type, 1 (EDSCL1). Also called: EHLERS-DANLOS SYNDROME, GRAVIS TYPE; EHLERS-DANLOS SYNDROME, SEVERE CLASSIC TYPE; Ehlers-Danlos syndrome, type 1; EDS I; Ehlers-Danlos Syndrome, Classic Type, COL5A1-Related. Identifiers: MedGen C0268335, MONDO:0019567, OMIM 130000.

Allele frequency attached by ClinVar (database versions not stated): gnomAD 0.00001.
gnomAD v4.1: 2 of 1,613,510 alleles (0.00012%); highest among the groups gnomAD compares: South Asian, 0.0011%; no homozygotes.

Submission:

Labcorp Genetics (formerly Invitae), Labcorp
Classification: Uncertain significance for Ehlers-Danlos syndrome, classic type, 1. Last evaluated: 2024-10-24. Review status: criteria provided, single submitter. Criteria: Invitae Variant Classification Sherloc (09022015). Collection method: clinical testing. Allele origin: germline.
Comment: This sequence change replaces proline, which is neutral and non-polar, with serine, which is neutral and polar, at codon 563 of the COL5A1 protein (p.Pro563Ser). This variant is not present in population databases (gnomAD no frequency). This variant has not been reported in the literature in individuals affected with COL5A1-related conditions. ClinVar contains an entry for this variant (Variation ID: 1961447). Invitae Evidence Modeling of protein sequence and biophysical properties (such as structural, functional, and spatial information, amino acid conservation, physicochemical variation, residue mobility, and thermodynamic stability) indicates that this missense variant is not expected to disrupt COL5A1 protein function with a negative predictive value of 80%. In summary, the available evidence is currently insufficient to determine the role of this variant in disease. Therefore, it has been classified as a Variant of Uncertain Significance.